The following is an entry in ClinVar:

ClinVar aggregate classification (germline): Likely benign (1 of 4 stars; one submission).

Allele frequency attached by ClinVar (database versions not stated): 1000 Genomes Project 30x 0.00250; 1000 Genomes Project 0.00280; ExAC 0.00527; TOPMed 0.00588; gnomAD 0.00642; ESP Exome Variant Server 0.00692.
gnomAD v4.1: 12,566 of 1,553,104 alleles (0.81%); highest among the groups gnomAD compares: Non-Finnish European, 0.96%; 61 homozygotes.

Submission:

GeneDx
Classification: Likely benign. Last evaluated: 2021-05-17. Review status: criteria provided, single submitter. Criteria: GeneDx Variant Classification Process June 2021. Collection method: clinical testing. Allele origin: germline. Affected: yes.
Comment: See Variant Classification Assertion Criteria.

NM_006946.4(SPTBN2):c.6232-39C>T

Gene: SPTBN2 (spectrin beta, non-erythrocytic 2; minus strand). Cytogenetic location: 11q13.2.
Variant type: single nucleotide variant.
Coding change: c.6232-39C>T on transcript NM_006946.4 (MANE Select); 39 bases into the intron before coding-DNA position 6232, C replaced by T.
Molecular consequence: intron variant.
Genome position (GRCh38, 1-based): chr11:66,688,350, G>A on the plus strand (C>T on the coding strand, the complement: SPTBN2 is on the minus strand). VCF-style: chr11-66688350-G-A. GRCh37 (hg19) VCF-style: chr11-66455821-G-A.
Identifiers: ClinVar variation 1706799 (VCV001706799.2), dbSNP rs192993539, ClinGen allele CA6128017.